The following is an entry in ClinVar:

ClinVar aggregate classification (germline): Uncertain significance (1 of 4 stars; one submission).

gnomAD v4.1: 4 of 1,611,122 alleles (0.00025%); highest among the groups gnomAD compares: South Asian, 0.0033%; no homozygotes.

Submission:

GeneDx
Classification: Uncertain significance. Last evaluated: 2026-02-04. Review status: criteria provided, single submitter. Criteria: GeneDx Variant Classification Process June 2021. Collection method: clinical testing. Allele origin: germline.
Comment: Not observed at significant frequency in large population cohorts (gnomAD); In silico analysis supports that this missense variant has a deleterious effect on protein structure/function; Reported previously in an individual with hypotonia and muscle weakness (PMID: 36833224); This variant is associated with the following publications: (PMID: 36833224)

NM_000540.3(RYR1):c.7654C>T (p.Arg2552Cys)

Gene: RYR1 (ryanodine receptor 1; plus strand). Cytogenetic location: 19q13.2.
Variant type: single nucleotide variant.
Coding change: c.7654C>T on transcript NM_000540.3 (MANE Select); coding-DNA position 7654, C replaced by T.
Protein change: p.Arg2552Cys; replaces arginine 2552 with cysteine.
Molecular consequence: missense variant.
Genome position (GRCh38, 1-based): chr19:38,502,546, C>T. VCF-style: chr19-38502546-C-T. GRCh37 (hg19) VCF-style: chr19-38993186-C-T.
Other names: c.7654C>T, p.Arg2552Cys (NM_001042723.2); short protein forms R2552C.
Identifiers: ClinVar variation 4975116 (VCV004975116.1).
Genomic context (GRCh38, chr19:38,502,546, plus strand): 5'-TGTCCTCACCCTGCGCCCTAGGCCACTTTCAGCACCACCGAGATGGCGCTGGCGCTGAAC[C>T]GCTACCTGTGCCTGGCCGTGCTGCCGCTCATCACCAAGTGTGCGCCGCTCTTTGCGGGCA-3'
Protein context (NP_000531.2, residues 2542-2562): STTEMALALN[Arg2552Cys]YLCLAVLPLI